The following is an entry in ClinVar:

ClinVar aggregate classification (germline): Uncertain significance (1 of 4 stars; one submission).

Conditions:
Dilated cardiomyopathy 1Z (CMD1Z). Identifiers: Orphanet 154, MedGen C2678475, MONDO:0012745, OMIM 611879.
Hypertrophic cardiomyopathy 13. Also called: TNNC1-Related Familial Hypertrophic Cardiomyopathy. Identifiers: MedGen C2750472, MONDO:0013195, OMIM 613243.

Allele frequency attached by ClinVar (database versions not stated): gnomAD exomes below 0.00001; TOPMed 0.00001.
gnomAD v4.1: 1 of 1,614,172 alleles (0.000062%); highest among the groups gnomAD compares: Non-Finnish European, 0.000085%; no homozygotes.

Submission:

Labcorp Genetics (formerly Invitae), Labcorp
Classification: Uncertain significance for Hypertrophic cardiomyopathy 13; Dilated cardiomyopathy 1Z. Last evaluated: 2021-07-21. Review status: criteria provided, single submitter. Criteria: Invitae Variant Classification Sherloc (09022015). Collection method: clinical testing. Allele origin: germline.
Comment: In summary, the available evidence is currently insufficient to determine the role of this variant in disease. Therefore, it has been classified as a Variant of Uncertain Significance. Algorithms developed to predict the effect of missense changes on protein structure and function are either unavailable or do not agree on the potential impact of this missense change (SIFT: "Deleterious"; PolyPhen-2: "Benign"; Align-GVGD: "Class C35"). This variant has not been reported in the literature in individuals affected with TNNC1-related conditions. This variant is not present in population databases (ExAC no frequency). This sequence change replaces lysine with asparagine at codon 118 of the TNNC1 protein (p.Lys118Asn). The lysine residue is highly conserved and there is a moderate physicochemical difference between lysine and asparagine.

NM_003280.3(TNNC1):c.354G>T (p.Lys118Asn)

Gene: TNNC1 (troponin C1, slow skeletal and cardiac type; minus strand). Cytogenetic location: 3p21.1.
Variant type: single nucleotide variant.
Coding change: c.354G>T on transcript NM_003280.3 (MANE Select); coding-DNA position 354, G replaced by T.
Protein change: p.Lys118Asn; replaces lysine 118 with asparagine.
Molecular consequence: missense variant.
Genome position (GRCh38, 1-based): chr3:52,451,491, C>A on the plus strand (G>T on the coding strand, the complement: TNNC1 is on the minus strand). VCF-style: chr3-52451491-C-A. GRCh37 (hg19) VCF-style: chr3-52485507-C-A.
Other names: short protein forms K118N.
Identifiers: ClinVar variation 1423039 (VCV001423039.8), dbSNP rs1578263846, ClinGen allele CA353165892.